The following is an entry in ClinVar:

ClinVar aggregate classification (germline): Uncertain significance (1 of 4 stars; one submission).

Allele frequency attached by ClinVar (database versions not stated): gnomAD exomes below 0.00001; ExAC 0.00002.

Submission:

Labcorp Genetics (formerly Invitae), Labcorp
Classification: Uncertain significance. Last evaluated: 2022-04-01. Review status: criteria provided, single submitter. Criteria: Invitae Variant Classification Sherloc (09022015). Collection method: clinical testing. Allele origin: germline.
Comment: In summary, the available evidence is currently insufficient to determine the role of this variant in disease. Therefore, it has been classified as a Variant of Uncertain Significance. Algorithms developed to predict the effect of missense changes on protein structure and function output the following: SIFT: "Not Available"; PolyPhen-2: "Benign"; Align-GVGD: "Not Available". The threonine amino acid residue is found in multiple mammalian species, which suggests that this missense change does not adversely affect protein function. This variant has not been reported in the literature in individuals affected with POGLUT1-related conditions. This variant is present in population databases (rs764743275, gnomAD 0.006%). This sequence change replaces alanine, which is neutral and non-polar, with threonine, which is neutral and polar, at codon 144 of the POGLUT1 protein (p.Ala144Thr).

NM_152305.3(POGLUT1):c.430G>A (p.Ala144Thr)

Gene: POGLUT1 (protein O-glucosyltransferase 1; plus strand). Cytogenetic location: 3q13.33.
Variant type: single nucleotide variant.
Coding change: c.430G>A on transcript NM_152305.3 (MANE Select); coding-DNA position 430, G replaced by A.
Protein change: p.Ala144Thr; replaces alanine 144 with threonine.
Molecular consequence: missense variant. On other transcripts: non-coding transcript variant (1).
Genome position (GRCh38, 1-based): chr3:119,477,422, G>A. VCF-style: chr3-119477422-G-A. GRCh37 (hg19) VCF-style: chr3-119196269-G-A.
Other names: c.430G>A, p.Ala144Thr (NM_020231.3); short protein forms A144T.
Identifiers: ClinVar variation 1986700 (VCV001986700.4), dbSNP rs764743275, ClinGen allele CA2554838.